The following is an entry in ClinVar:

NC_000006.11:g.(65612394_65622376)_(65767621_66005755)del

Gene: EYS (EGF-like photoreceptor maintenance factor; minus strand). Cytogenetic location: 6q12.
Variant type: Deletion.
Identifiers: ClinVar variation 1698667 (VCV001698667.1).

ClinVar aggregate classification (germline): Likely pathogenic (1 of 4 stars; one submission).

Conditions:
Retinitis pigmentosa (RP). Identifiers: Orphanet 791, MedGen C0035334, MeSH D012174, MONDO:0019200, OMIM 268000. Inheritance: Autosomal dominant, autosomal recessive and X linked inheritance.

Submission:

Women's Health and Genetics/Laboratory Corporation of America, LabCorp
Classification: Likely pathogenic for Retinitis pigmentosa. Last evaluated: 2022-06-30. Review status: criteria provided, single submitter. Criteria: LabCorp Variant Classification Summary - May 2015. Collection method: clinical testing. Allele origin: germline.
Comment: Variant summary: The variant identified by MLPA or other technology involves the deletion of exons 13-16 in the EYS gene. A presumed nomenclature of c.(2023+1_2024-1)_(2641+1_2642-1)del has been designated for the purposes of this classification. Although exact breakpoints of this deletion are not known, it is expected to result in a large in-frame deletion change in the EYS gene, a known mechanism of disease (Alamut predicts this variant as p.Gly675_Glu880del). The variant was absent in 21694 control chromosomes (gnomAD SVs, Structural Variants dataset). To our knowledge, no occurrence of c.(2023+1_2024-1)_(2641+1_2642-1)del in individuals affected with Retinitis Pigmentosa and no experimental evidence demonstrating its impact on protein function have been reported. No clinical diagnostic laboratories have submitted clinical-significance assessments for this variant to ClinVar after 2014. Based on the evidence outlined above, the variant was classified as likely pathogenic.